The following is an entry in ClinVar:

ClinVar aggregate classification (germline): Likely benign (1 of 4 stars; one submission).

Allele frequency attached by ClinVar (database versions not stated): 1000 Genomes Project 30x 0.00078; 1000 Genomes Project 0.00100; TOPMed 0.00210; gnomAD 0.00225; ESP Exome Variant Server 0.00245; gnomAD exomes 0.00309; ExAC 0.00423.
gnomAD v4.1: 4,701 of 1,560,826 alleles (0.3%); highest among the groups gnomAD compares: Non-Finnish European, 0.35%; 24 homozygotes.

Submission:

CeGaT Center for Human Genetics Tuebingen
Classification: Likely benign. Last evaluated: 2024-03-01. Review status: criteria provided, single submitter. Criteria: CeGaT Center For Human Genetics Tuebingen Variant Classification Criteria Version 2. Collection method: clinical testing. Allele origin: germline. Affected: yes. Observed: 1 variant allele.
Comment: ZNF492: PP2, BP4, BS2

NM_020855.3(ZNF492):c.181A>C (p.Asn61His)

Gene: ZNF492 (zinc finger protein 492; plus strand). Cytogenetic location: 19p12.
Variant type: single nucleotide variant.
Coding change: c.181A>C on transcript NM_020855.3 (MANE Select); coding-DNA position 181, A replaced by C.
Protein change: p.Asn61His; replaces asparagine 61 with histidine.
Molecular consequence: missense variant.
Genome position (GRCh38, 1-based): chr19:22,663,850, A>C. VCF-style: chr19-22663850-A-C. GRCh37 (hg19) VCF-style: chr19-22846652-A-C.
Other names: short protein forms N61H.
Identifiers: ClinVar variation 3067208 (VCV003067208.21), dbSNP rs201176947, ClinGen allele CA9344774.